The following is an entry in ClinVar:

ClinVar aggregate classification (germline): Uncertain significance. Review status: criteria provided, multiple submitters, no conflicts (2 of 4 stars). 2 submissions from 2 submitters: Uncertain significance (2). Last evaluated 2024-06-25.

Conditions:
Inborn genetic diseases. Identifiers: MedGen C0950123, MeSH D030342.

Allele frequency attached by ClinVar (database versions not stated): gnomAD exomes 0.00002; gnomAD 0.00003; TOPMed 0.00005.
gnomAD v4.1: 39 of 1,568,954 alleles (0.0025%); highest among the groups gnomAD compares: Admixed American, 0.0075%; no homozygotes.

Submissions (2):

Blueprint Genetics
Classification: Uncertain significance. Last evaluated: 2024-06-25. Review status: criteria provided, single submitter. Criteria: ACMG Guidelines, 2015. Collection method: clinical testing. Allele origin: germline.

Ambry Genetics
Classification: Uncertain significance for Inborn genetic diseases. Last evaluated: 2021-04-28. Review status: criteria provided, single submitter. Criteria: Ambry Variant Classification Scheme 2023. Collection method: clinical testing. Allele origin: germline.
Comment: The c.9496C>G (p.Q3166E) alteration is located in exon 61 (coding exon 61) of the DYNC2H1 gene. This alteration results from a C to G substitution at nucleotide position 9496, causing the glutamine (Q) at amino acid position 3166 to be replaced by a glutamic acid (E). Based on data from the Genome Aggregation Database (gnomAD) database, the DYNC2H1 c.9496C>G alteration was observed in 0.0014% (3/216,986) of total alleles studied, with a frequency of 0.003% (3/93,014) in the European (non-Finnish) subpopulation. This amino acid position is highly conserved in available vertebrate species. The p.Q3166E alteration is predicted to be tolerated by in silico analysis. Based on insufficient or conflicting evidence, the clinical significance of this alteration remains unclear.

NM_001377.3(DYNC2H1):c.9496C>G (p.Gln3166Glu)

Gene: DYNC2H1 (dynein cytoplasmic 2 heavy chain 1; plus strand). Cytogenetic location: 11q22.3.
Variant type: single nucleotide variant.
Coding change: c.9496C>G on transcript NM_001377.3 (MANE Select); coding-DNA position 9496, C replaced by G.
Protein change: p.Gln3166Glu; replaces glutamine 3166 with glutamic acid.
Molecular consequence: missense variant.
Genome position (GRCh38, 1-based): chr11:103,234,089, C>G. VCF-style: chr11-103234089-C-G. GRCh37 (hg19) VCF-style: chr11-103104818-C-G.
Other names: c.9496C>G, p.Gln3166Glu (NM_001080463.2); short protein forms Q3166E.
Identifiers: ClinVar variation 2205363 (VCV002205363.3), dbSNP rs745823828, ClinGen allele CA6254705.